The following is an entry in ClinVar:

NM_006493.4(CLN5):c.812del (p.Asn271fs)

Gene: CLN5 (CLN5 lysosomal BMP synthase; plus strand). Cytogenetic location: 13q22.3.
Variant type: Deletion.
Coding change: c.812del on transcript NM_006493.4 (MANE Select); coding-DNA position 812, one base deleted (A; older notation c.812delA).
Protein change: p.Asn271fs; shifts the reading frame from asparagine 271.
Molecular consequence: frameshift variant. On other transcripts: 3 prime UTR variant (1).
Genome position (GRCh38, 1-based): chr13:77,000,704, A deleted; the last of 3 consecutive A bases (chr13:77,000,702-77,000,704); deleting any one gives the same sequence. VCF-style (leftmost placement, unchanged base first): chr13-77000701-GA-G. GRCh37 (hg19) VCF-style: chr13-77574836-GA-G.
Other names: c.*261del (NM_001366624.2); short protein forms N271fs.
Identifiers: ClinVar variation 1073281 (VCV001073281.11), dbSNP rs2154035159, ClinGen allele CA2499222510.

ClinVar aggregate classification (germline): Pathogenic. Review status: criteria provided, multiple submitters, no conflicts (2 of 4 stars). 2 submissions from 2 submitters: Pathogenic (2). Last evaluated 2022-08-16.

Conditions:
Neuronal ceroid lipofuscinosis. Also called: Neuronal Ceroid Lipofuscinoses. Identifiers: Orphanet 216, Orphanet 79263, MedGen C0027877, MONDO:0016295. Disease mechanism: loss of function.
Neuronal ceroid lipofuscinosis 5 (CLN5). Also called: Neuronal ceroid lipofuscinosis Finnish variant; NEURONAL CEROID LIPOFUSCINOSIS, LATE INFANTILE, FINNISH VARIANT; CEROID LIPOFUSCINOSIS, NEURONAL, 5, VARIABLE AGE AT ONSET; CLN5-Related Neuronal Ceroid-Lipofuscinosis. Identifiers: Orphanet 168491, Orphanet 228360, MedGen C1850442, MONDO:0009745, OMIM 256731.

Submissions (2):

Labcorp Genetics (formerly Invitae), Labcorp
Classification: Pathogenic for Neuronal ceroid lipofuscinosis. Last evaluated: 2022-08-16. Review status: criteria provided, single submitter. Criteria: Invitae Variant Classification Sherloc (09022015). Collection method: clinical testing. Allele origin: germline.
Comment: This variant has not been reported in the literature in individuals affected with CLN5-related conditions. ClinVar contains an entry for this variant (Variation ID: 1073281). This variant is not present in population databases (gnomAD no frequency). This sequence change creates a premature translational stop signal (p.Asn320Metfs*16) in the CLN5 gene. While this is not anticipated to result in nonsense mediated decay, it is expected to disrupt the last 88 amino acid(s) of the CLN5 protein. For these reasons, this variant has been classified as Pathogenic. This variant disrupts a region of the CLN5 protein in which other variant(s) (p.Lys368Serfs*15) have been determined to be pathogenic (PMID: 20157158, 20960652, 22532218, 25976102; Invitae). This suggests that this is a clinically significant region of the protein, and that variants that disrupt it are likely to be disease-causing.

Genome-Nilou Lab
Classification: Pathogenic for Neuronal ceroid lipofuscinosis 5. Last evaluated: 2021-08-10. Review status: criteria provided, single submitter. Criteria: ACMG Guidelines, 2015. Collection method: clinical testing. Allele origin: germline. Affected: no.

Literature cited by the submitters: PubMed 20157158 (cited by Labcorp Genetics (formerly Invitae), Labcorp); PubMed 20960652 (cited by Labcorp Genetics (formerly Invitae), Labcorp); PubMed 22532218 (cited by Labcorp Genetics (formerly Invitae), Labcorp); PubMed 25976102 (cited by Labcorp Genetics (formerly Invitae), Labcorp).